The following is an entry in ClinVar:

NM_003060.4(SLC22A5):c.248G>C (p.Arg83Pro)

Gene: SLC22A5 (solute carrier family 22 member 5; plus strand). Cytogenetic location: 5q31.1.
Variant type: single nucleotide variant.
Coding change: c.248G>C on transcript NM_003060.4 (MANE Select); coding-DNA position 248, G replaced by C.
Protein change: p.Arg83Pro; replaces arginine 83 with proline.
Molecular consequence: missense variant.
Genome position (GRCh38, 1-based): chr5:132,370,220, G>C. VCF-style: chr5-132370220-G-C. GRCh37 (hg19) VCF-style: chr5-131705912-G-C.
Other names: c.248G>C, p.Arg83Pro (NM_001308122.2); short protein forms R83P.
Identifiers: ClinVar variation 871551 (VCV000871551.42), dbSNP rs72552726, ClinGen allele CA360802670.
Genomic context (GRCh38, chr5:132,370,220, plus strand): 5'-GCAACCACACTGTCCCACTGCGGCTGCGGGACGGCCGCGAGGTGCCCCACAGCTGCCGCC[G>C]CTACCGGCTCGCCACCATCGCCAACTTCTCGGCGCTTGGGCTGGAGCCGGGGCGCGACGT-3'
Protein context (NP_003051.1, residues 73-93): DGREVPHSCR[Arg83Pro]YRLATIANFS

ClinVar aggregate classification (germline): Conflicting classifications of pathogenicity. Review status: criteria provided, conflicting classifications (1 of 4 stars). 2 submissions from 2 submitters: Likely pathogenic (1); Uncertain significance (1). Last evaluated 2022-11-29.

Conditions:
Renal carnitine transport defect (CDSP). Also called: Primary carnitine deficiency; Carnitine transporter deficiency; Carnitine Deficiency, Systemic; Systemic primary carnitine deficiency; CARNITINE DEFICIENCY, SYSTEMIC, DUE TO DEFECT IN RENAL REABSORPTION OF CARNITINE; CARNITINE TRANSPORTER, PLASMA-MEMBRANE, DEFICIENCY OF. Identifiers: Orphanet 158, MedGen C0342788, MONDO:0008919, OMIM 212140.

gnomAD v4.1: 1 of 1,586,198 alleles (0.000063%); no homozygotes.

Submissions (2):

Labcorp Genetics (formerly Invitae), Labcorp
Classification: Likely pathogenic for Renal carnitine transport defect. Last evaluated: 2022-11-29. Review status: criteria provided, single submitter. Criteria: Invitae Variant Classification Sherloc (09022015). Collection method: clinical testing. Allele origin: germline.
Comment: This sequence change replaces arginine, which is basic and polar, with proline, which is neutral and non-polar, at codon 83 of the SLC22A5 protein (p.Arg83Pro). This variant is not present in population databases (gnomAD no frequency). This variant has not been reported in the literature in individuals affected with SLC22A5-related conditions. ClinVar contains an entry for this variant (Variation ID: 871551). Advanced modeling of protein sequence and biophysical properties (such as structural, functional, and spatial information, amino acid conservation, physicochemical variation, residue mobility, and thermodynamic stability) performed at Invitae indicates that this missense variant is expected to disrupt SLC22A5 protein function. This variant disrupts the p.Arg83 amino acid residue in SLC22A5. Other variant(s) that disrupt this residue have been determined to be pathogenic (PMID: 15617188, 20574985, 21126579, 21922592; Invitae). This suggests that this residue is clinically significant, and that variants that disrupt this residue are likely to be disease-causing. In summary, the currently available evidence indicates that the variant is pathogenic, but additional data are needed to prove that conclusively. Therefore, this variant has been classified as Likely Pathogenic.

CeGaT Center for Human Genetics Tuebingen
Classification: Uncertain significance. Last evaluated: 2019-11-01. Review status: criteria provided, single submitter. Criteria: CeGaT Center For Human Genetics Tuebingen Variant Classification Criteria Version 2. Collection method: clinical testing. Allele origin: germline. Affected: yes. Observed: 3 variant alleles.

Literature cited by the submitters: PubMed 15617188 (cited by Labcorp Genetics (formerly Invitae), Labcorp); PubMed 20574985 (cited by Labcorp Genetics (formerly Invitae), Labcorp); PubMed 21126579 (cited by Labcorp Genetics (formerly Invitae), Labcorp); PubMed 21922592 (cited by Labcorp Genetics (formerly Invitae), Labcorp).